The following is an entry in ClinVar:

NM_001330260.2(SCN8A):c.2558A>G (p.Lys853Arg)

Gene: SCN8A (sodium voltage-gated channel alpha subunit 8; plus strand). Cytogenetic location: 12q13.13.
Variant type: single nucleotide variant.
Coding change: c.2558A>G on transcript NM_001330260.2 (MANE Select); coding-DNA position 2558, A replaced by G.
Protein change: p.Lys853Arg; replaces lysine 853 with arginine.
Molecular consequence: missense variant.
Genome position (GRCh38, 1-based): chr12:51,765,684, A>G. VCF-style: chr12-51765684-A-G. GRCh37 (hg19) VCF-style: chr12-52159468-A-G.
Other names: c.2558A>G, p.Lys853Arg (NM_001177984.3, NM_001369788.1, NM_014191.4); short protein forms K853R.
Identifiers: ClinVar variation 1392397 (VCV001392397.7), dbSNP rs1942827683, ClinGen allele CA384886626.

ClinVar aggregate classification (germline): Uncertain significance (1 of 4 stars; one submission).

Conditions:
Early-infantile DEE. Also called: Early infantile epileptic encephalopathy with suppression bursts; Early infantile epileptic encephalopathy; Ohtahara syndrome. Identifiers: Orphanet 1934, MedGen C0393706, MONDO:0800491.

Submission:

Labcorp Genetics (formerly Invitae), Labcorp
Classification: Uncertain significance for Early-infantile DEE. Last evaluated: 2023-07-17. Review status: criteria provided, single submitter. Criteria: Invitae Variant Classification Sherloc (09022015). Collection method: clinical testing. Allele origin: germline.
Comment: This variant is not present in population databases (gnomAD no frequency). In summary, the available evidence is currently insufficient to determine the role of this variant in disease. Therefore, it has been classified as a Variant of Uncertain Significance. Advanced modeling of protein sequence and biophysical properties (such as structural, functional, and spatial information, amino acid conservation, physicochemical variation, residue mobility, and thermodynamic stability) has been performed at Invitae for this missense variant, however the output from this modeling did not meet the statistical confidence thresholds required to predict the impact of this variant on SCN8A protein function. ClinVar contains an entry for this variant (Variation ID: 1392397). This variant has not been reported in the literature in individuals affected with SCN8A-related conditions. This sequence change replaces lysine, which is basic and polar, with arginine, which is basic and polar, at codon 853 of the SCN8A protein (p.Lys853Arg).